The following is an entry in ClinVar:

ClinVar aggregate classification (germline): Uncertain significance (1 of 4 stars; one submission).

Submission:

Labcorp Genetics (formerly Invitae), Labcorp
Classification: Uncertain significance. Last evaluated: 2022-04-11. Review status: criteria provided, single submitter. Criteria: Invitae Variant Classification Sherloc (09022015). Collection method: clinical testing. Allele origin: germline.
Comment: In summary, the available evidence is currently insufficient to determine the role of this variant in disease. Therefore, it has been classified as a Variant of Uncertain Significance. Variants that disrupt the consensus splice site are a relatively common cause of aberrant splicing (PMID: 17576681, 9536098). Algorithms developed to predict the effect of sequence changes on RNA splicing suggest that this variant may disrupt the consensus splice site. This variant has not been reported in the literature in individuals affected with COL11A2-related conditions. This variant is not present in population databases (gnomAD no frequency). This sequence change falls in intron 12 of the COL11A2 gene. It does not directly change the encoded amino acid sequence of the COL11A2 protein. It affects a nucleotide within the consensus splice site.

Literature cited by the submitters: PubMed 17576681; PubMed 9536098.

NM_080680.3(COL11A2):c.1359+4A>G

Gene: COL11A2 (collagen type XI alpha 2 chain; minus strand). Cytogenetic location: 6p21.32.
Variant type: single nucleotide variant.
Coding change: c.1359+4A>G on transcript NM_080680.3 (MANE Select); 4 bases into the intron after coding-DNA position 1359, A replaced by G.
Molecular consequence: intron variant.
Genome position (GRCh38, 1-based): chr6:33,180,254, T>C on the plus strand (A>G on the coding strand, the complement: COL11A2 is on the minus strand). VCF-style: chr6-33180254-T-C. GRCh37 (hg19) VCF-style: chr6-33148031-T-C.
Other names: c.1038+4A>G (NM_080679.3); c.1101+4A>G (NM_080681.3).
Identifiers: ClinVar variation 2124736 (VCV002124736.4), dbSNP rs2535294950, ClinGen allele CA2580074449.